The following is an entry in ClinVar:

NM_182894.3(VSX2):c.483G>T (p.Glu161Asp)

Gene: VSX2 (visual system homeobox 2; plus strand). Cytogenetic location: 14q24.3.
Variant type: single nucleotide variant.
Coding change: c.483G>T on transcript NM_182894.3 (MANE Select); coding-DNA position 483, G replaced by T.
Protein change: p.Glu161Asp; replaces glutamic acid 161 with aspartic acid.
Molecular consequence: missense variant.
Genome position (GRCh38, 1-based): chr14:74,245,192, G>T. VCF-style: chr14-74245192-G-T. GRCh37 (hg19) VCF-style: chr14-74711895-G-T.
Other names: short protein forms E161D.
Identifiers: ClinVar variation 2634052 (VCV002634052.3), dbSNP rs143366810, ClinGen allele CA7266342.

ClinVar aggregate classification (germline): Uncertain significance. Review status: criteria provided, multiple submitters, no conflicts (2 of 4 stars). 2 submissions from 2 submitters: Uncertain significance (2). Last evaluated 2026-03-26.

Conditions:
VSX2-related disorder. Also called: VSX2-related condition.

Allele frequency attached by ClinVar (database versions not stated): gnomAD exomes 0.00003; ExAC 0.00009; gnomAD 0.00015; TOPMed 0.00018; 1000 Genomes Project 30x 0.00031; ESP Exome Variant Server 0.00038; 1000 Genomes Project 0.00040.
gnomAD v4.1: 61 of 1,613,722 alleles (0.0038%); highest among the groups gnomAD compares: African/African-American, 0.056%; no homozygotes.

Submissions (2):

PreventionGenetics, part of Exact Sciences
Classification: Uncertain significance for VSX2-related condition. Last evaluated: 2026-03-26. Review status: criteria provided, single submitter. Criteria: ACMG Guidelines, 2015. Collection method: clinical testing. Allele origin: germline.
Comment: The VSX2 c.483G>T variant is predicted to result in the amino acid substitution p.Glu161Asp. To our knowledge, this variant has not been reported in the literature. This variant is reported in 0.036% of alleles in individuals of African descent in gnomAD. At this time, the clinical significance of this variant is uncertain due to the absence of conclusive functional and genetic evidence.

GeneDx
Classification: Uncertain significance. Last evaluated: 2025-03-24. Review status: criteria provided, single submitter. Criteria: GeneDx Variant Classification Process June 2021. Collection method: clinical testing. Allele origin: germline. Affected: yes.
Comment: In silico analysis indicates that this missense variant does not alter protein structure/function; Has not been previously published as pathogenic or benign to our knowledge